The following is an entry in ClinVar:

NM_005876.5(SPEG):c.6821C>T (p.Pro2274Leu)

Genes: ASIC4-AS1 (ASIC4 antisense RNA 1; minus strand), SPEG (striated muscle enriched protein kinase; plus strand). Cytogenetic location: 2q35.
Variant type: single nucleotide variant.
Coding change: c.6821C>T on transcript NM_005876.5 (MANE Select); coding-DNA position 6821, C replaced by T.
Protein change: p.Pro2274Leu; replaces proline 2274 with leucine.
Molecular consequence: missense variant.
Genome position (GRCh38, 1-based): chr2:219,484,284, C>T. VCF-style: chr2-219484284-C-T. GRCh37 (hg19) VCF-style: chr2-220349006-C-T.
Other names: short protein forms P2274L.
Identifiers: ClinVar variation 1374127 (VCV001374127.3), dbSNP rs1203372415, ClinGen allele CA350699727.

ClinVar aggregate classification (germline): Uncertain significance (1 of 4 stars; one submission).

Allele frequency attached by ClinVar (database versions not stated): gnomAD 0.00001; gnomAD exomes below 0.00001; TOPMed 0.00001.
gnomAD v4.1: 7 of 1,608,096 alleles (0.00044%); highest among the groups gnomAD compares: Non-Finnish European, 0.00051%; no homozygotes.

Submission:

Labcorp Genetics (formerly Invitae), Labcorp
Classification: Uncertain significance. Last evaluated: 2022-08-23. Review status: criteria provided, single submitter. Criteria: Invitae Variant Classification Sherloc (09022015). Collection method: clinical testing. Allele origin: germline.
Comment: This sequence change replaces proline, which is neutral and non-polar, with leucine, which is neutral and non-polar, at codon 2274 of the SPEG protein (p.Pro2274Leu). This variant is present in population databases (no rsID available, gnomAD 0.001%). This variant has not been reported in the literature in individuals affected with SPEG-related conditions. ClinVar contains an entry for this variant (Variation ID: 1374127). Algorithms developed to predict the effect of missense changes on protein structure and function are either unavailable or do not agree on the potential impact of this missense change (SIFT: "Deleterious"; PolyPhen-2: "Benign"; Align-GVGD: "Class C0"). In summary, the available evidence is currently insufficient to determine the role of this variant in disease. Therefore, it has been classified as a Variant of Uncertain Significance.